The following is an entry in ClinVar:

ClinVar aggregate classification (germline): Uncertain significance (1 of 4 stars; one submission).

Submission:

Labcorp Genetics (formerly Invitae), Labcorp
Classification: Uncertain significance. Last evaluated: 2025-07-24. Review status: criteria provided, single submitter. Criteria: Invitae Variant Classification Sherloc (09022015). Collection method: clinical testing. Allele origin: germline.
Comment: This sequence change replaces methionine, which is neutral and non-polar, with threonine, which is neutral and polar, at codon 98 of the ARHGEF1 protein (p.Met98Thr). This variant is not present in population databases (gnomAD no frequency). This variant has not been reported in the literature in individuals affected with ARHGEF1-related conditions. An algorithm developed to predict the effect of missense changes on protein structure and function (PolyPhen-2) suggests that this variant is likely to be tolerated. In summary, the available evidence is currently insufficient to determine the role of this variant in disease. Therefore, it has been classified as a Variant of Uncertain Significance.

NM_004706.4(ARHGEF1):c.248T>C (p.Met83Thr)

Gene: ARHGEF1 (Rho guanine nucleotide exchange factor 1; plus strand). Cytogenetic location: 19q13.2.
Variant type: single nucleotide variant.
Coding change: c.248T>C on transcript NM_004706.4 (MANE Select); coding-DNA position 248, T replaced by C.
Protein change: p.Met83Thr; replaces methionine 83 with threonine.
Molecular consequence: missense variant. On other transcripts: non-coding transcript variant (2), intron variant (3).
Genome position (GRCh38, 1-based): chr19:41,892,047, T>C. VCF-style: chr19-41892047-T-C. GRCh37 (hg19) VCF-style: chr19-42396118-T-C.
Other names: c.248T>C, p.Met83Thr (NM_001396000.1, NM_001396003.1, NM_001396006.1); c.293T>C, p.Met98Thr (NM_199002.2); c.226-284T>C (NM_001396002.1, NM_198977.2, NM_001396004.1); short protein forms M98T, M83T.
Identifiers: ClinVar variation 4715942 (VCV004715942.1).